The following is an entry in ClinVar:

NM_000384.3(APOB):c.3770G>A (p.Ser1257Asn)

Gene: APOB (apolipoprotein B; minus strand). Cytogenetic location: 2p24.1.
Variant type: single nucleotide variant.
Coding change: c.3770G>A on transcript NM_000384.3 (MANE Select); coding-DNA position 3770, G replaced by A.
Protein change: p.Ser1257Asn; replaces serine 1257 with asparagine.
Molecular consequence: missense variant.
Genome position (GRCh38, 1-based): chr2:21,014,520, C>T on the plus strand (G>A on the coding strand, the complement: APOB is on the minus strand). VCF-style: chr2-21014520-C-T. GRCh37 (hg19) VCF-style: chr2-21237392-C-T.
Other names: short protein forms S1257N.
Identifiers: ClinVar variation 4789293 (VCV004789293.1).
Genomic context (GRCh38, chr2:21,014,520, plus strand): 5'-AGGTTTTCTGGGATGTGGAAGTCTGGCAATCCCATGTTCTGGAGGTTGAACTCCTTCAGG[C>T]TATTGAGGTGGTCTTGCAAAGTCTGGGTATAAGGAAGACTCCCAGATGCCTTCTGAAGCC-3'
Protein context (NP_000375.3, residues 1247-1267): YTQTLQDHLN[Ser1257Asn]LKEFNLQNMG

ClinVar aggregate classification (germline): Uncertain significance (1 of 4 stars; one submission).

Conditions:
Familial hypobetalipoproteinemia 1. Also called: APOB-Related Familial Hypobetalipoproteinemia; Hypobetalipoproteinemia, normotriglyceridemic; Acanthocytosis with hypobetalipoproteinemia. Identifiers: MedGen C4551990, MONDO:0014252, OMIM 615558.
Hypercholesterolemia, autosomal dominant, type B (FHCL2). Also called: APOB-Related Familial Hypercholesterolemia, Autosomal Dominant; Familial hypercholesterolemia 2; Familial Hypercholesterolemia Type B; APOLIPOPROTEIN B-100, FAMILIAL DEFECTIVE; APOLIPOPROTEIN B-100, FAMILIAL LIGAND-DEFECTIVE; HYPERCHOLESTEROLEMIA, FAMILIAL, DUE TO LIGAND-DEFECTIVE APOLIPOPROTEIN B. Identifiers: MedGen C1704417, MONDO:0007751, OMIM 144010.

gnomAD v4.1: 1 of 1,614,084 alleles (0.000062%); highest among the groups gnomAD compares: Non-Finnish European, 0.000085%; no homozygotes.

Submission:

Labcorp Genetics (formerly Invitae), Labcorp
Classification: Uncertain significance for Familial hypobetalipoproteinemia 1; Hypercholesterolemia, autosomal dominant, type B. Last evaluated: 2025-07-02. Review status: criteria provided, single submitter. Criteria: Invitae Variant Classification Sherloc (09022015). Collection method: clinical testing. Allele origin: germline.
Comment: This sequence change replaces serine, which is neutral and polar, with asparagine, which is neutral and polar, at codon 1257 of the APOB protein (p.Ser1257Asn). This variant is not present in population databases (gnomAD no frequency). This variant has not been reported in the literature in individuals affected with APOB-related conditions. Invitae Evidence Modeling of protein sequence and biophysical properties (such as structural, functional, and spatial information, amino acid conservation, physicochemical variation, residue mobility, and thermodynamic stability) indicates that this missense variant is not expected to disrupt APOB protein function with a negative predictive value of 95%. In summary, the available evidence is currently insufficient to determine the role of this variant in disease. Therefore, it has been classified as a Variant of Uncertain Significance.